The following is an entry in ClinVar:

ClinVar aggregate classification (germline): Likely pathogenic. Review status: criteria provided, single submitter (1 of 4 stars). 2 submissions from 2 submitters: Likely pathogenic (1). 1 of the submissions does not count toward it. Last evaluated 2022-12-25.

Conditions:
Peroxisome biogenesis disorder 9B. Also called: PEROXISOME BIOGENESIS DISORDER, PEX7-RELATED, ATYPICAL; PEX7-Related Refsum Disease; Refsum disease, adult, 2. Identifiers: Orphanet 773, MedGen C2749346, MONDO:0013945, OMIM 614879.
Rhizomelic chondrodysplasia punctata type 1 (RCDP1). Also called: CHONDRODYSTROPHIA CALCIFICANS PUNCTATA; PEROXISOME BIOGENESIS DISORDER 9; PEX7-Related Rhizomelic Chondrodysplasia Punctata. Identifiers: Orphanet 177, Orphanet 309789, MedGen C1859133, MONDO:0008972, OMIM 215100. Disease mechanism: loss of function.

Submissions (2):

Labcorp Genetics (formerly Invitae), Labcorp
Classification: Likely pathogenic for Peroxisome biogenesis disorder 9B. Last evaluated: 2022-12-25. Review status: criteria provided, single submitter. Criteria: Invitae Variant Classification Sherloc (09022015). Collection method: clinical testing. Allele origin: germline.
Comment: Algorithms developed to predict the effect of sequence changes on RNA splicing suggest that this variant may disrupt the consensus splice site. ClinVar contains an entry for this variant (Variation ID: 371420). This variant has not been reported in the literature in individuals affected with PEX7-related conditions. This variant is not present in population databases (gnomAD no frequency). This variant results in the deletion of part of exon 7 (c.736_747+17del) of the PEX7 gene. It is expected to disrupt RNA splicing. Variants that disrupt the donor or acceptor splice site typically lead to a loss of protein function (PMID: 16199547), and loss-of-function variants in PEX7 are known to be pathogenic (PMID: 12325024, 12522768, 20301447). In summary, the currently available evidence indicates that the variant is pathogenic, but additional data are needed to prove that conclusively. Therefore, this variant has been classified as Likely Pathogenic.

Counsyl
Classification: Likely pathogenic for Rhizomelic chondrodysplasia punctata type 1. Last evaluated: 2016-09-20. Review status: no assertion criteria provided. Collection method: clinical testing. Allele origin: unknown. Not counted in ClinVar's aggregate classification.

Literature cited by the submitters: PubMed 16199547 (cited by Labcorp Genetics (formerly Invitae), Labcorp); PubMed 12325024 (cited by Labcorp Genetics (formerly Invitae), Labcorp); PubMed 12522768 (cited by Labcorp Genetics (formerly Invitae), Labcorp); PubMed 20301447 (cited by Labcorp Genetics (formerly Invitae), Labcorp).

NM_000288.4(PEX7):c.736_747+17del

Gene: PEX7 (peroxisomal biogenesis factor 7; plus strand). Cytogenetic location: 6q23.3.
Variant type: Deletion.
Coding change: c.736_747+17del on transcript NM_000288.4 (MANE Select); coding-DNA position 736 through 17 bases into the intron after coding-DNA position 747, 29 bases deleted (AGGAGGGTGAAAGTAAGTTTTCATCTTTT).
Molecular consequence: splice donor variant.
Genome position (GRCh38, 1-based): chr6:136,869,992-136,870,020, AGGAGGGTGAAAGTAAGTTTTCATCTTTT deleted; deleting any 29 consecutive bases within chr6:136,869,990-136,870,020 gives the same sequence; the c. name uses the placement nearest the transcript's 3' end. VCF-style (leftmost placement, unchanged base first): chr6-136869989-ATTAGGAGGGTGAAAGTAAGTTTTCATCTT-A. GRCh37 (hg19) VCF-style: chr6-137191127-ATTAGGAGGGTGAAAGTAAGTTTTCATCTT-A.
Identifiers: ClinVar variation 371420 (VCV000371420.9), dbSNP rs1057517257, ClinGen allele CA16041018.